The following is an entry in ClinVar:

ClinVar aggregate classification (germline): Uncertain significance (1 of 4 stars; one submission).

Conditions:
Primary ciliary dyskinesia 33. Also called: CILIARY DYSKINESIA, PRIMARY, 33, WITHOUT SITUS INVERSUS. Identifiers: Orphanet 244, MedGen C4225230, MONDO:0014750, OMIM 616726.

Submission:

Labcorp Genetics (formerly Invitae), Labcorp
Classification: Uncertain significance for Primary ciliary dyskinesia 33. Last evaluated: 2023-06-22. Review status: criteria provided, single submitter. Criteria: Invitae Variant Classification Sherloc (09022015). Collection method: clinical testing. Allele origin: unknown.
Comment: This variant results in a copy number gain of the genomic region encompassing exon(s) 1 of the GAS8 gene. This region includes the initiator codon of the gene. This copy number gain extends beyond the assayed region for this gene and therefore may encompass additional genes. As the precise location of this event is unknown, it may be in tandem or it may be located elsewhere in the genome. This variant has not been reported in the literature in individuals affected with GAS8-related conditions. Experimental studies and prediction algorithms are not available or were not evaluated, and the functional significance of this variant is currently unknown. In summary, the available evidence is currently insufficient to determine the role of this variant in disease. Therefore, it has been classified as a Variant of Uncertain Significance.

NC_000016.9:g.(?_90089130)_(90089152_?)dup

Gene: GAS8 (growth arrest specific 8; plus strand). Cytogenetic location: 16q24.3.
Variant type: Duplication.
Identifiers: ClinVar variation 3243534 (VCV003243534.1).